The following is an entry in ClinVar:

ClinVar aggregate classification (germline): Uncertain significance (1 of 4 stars; one submission).

Conditions:
Neuropathy, hereditary sensory and autonomic, type 2A (HSAN2A). Also called: ACROOSTEOLYSIS, GIACCAI TYPE; ACROOSTEOLYSIS, NEUROGENIC; MORVAN DISEASE; NEUROPATHY, CONGENITAL SENSORY; NEUROPATHY, HEREDITARY SENSORY RADICULAR, AUTOSOMAL RECESSIVE; NEUROPATHY, HEREDITARY SENSORY, TYPE IIA. Identifiers: Orphanet 970, MedGen C2752089, MONDO:0024309, OMIM 201300.
Pseudohypoaldosteronism type 2C (PHA2C). Also called: Pseudohypoaldosteronism Type IIC. Identifiers: Orphanet 757, Orphanet 88940, MedGen C1840391, MONDO:0013778, OMIM 614492.

gnomAD v4.1: 1 of 1,612,524 alleles (0.000062%); highest among the groups gnomAD compares: Non-Finnish European, 0.000085%; no homozygotes.

Submission:

Labcorp Genetics (formerly Invitae), Labcorp
Classification: Uncertain significance for Neuropathy, hereditary sensory and autonomic, type 2A; Pseudohypoaldosteronism type 2C. Last evaluated: 2022-07-06. Review status: criteria provided, single submitter. Criteria: Invitae Variant Classification Sherloc (09022015). Collection method: clinical testing. Allele origin: germline.
Comment: This sequence change replaces serine, which is neutral and polar, with cysteine, which is neutral and slightly polar, at codon 31 of the WNK1 protein (p.Ser31Cys). This variant is not present in population databases (gnomAD no frequency). This variant has not been reported in the literature in individuals affected with WNK1-related conditions. ClinVar contains an entry for this variant (Variation ID: 1390328). Advanced modeling of protein sequence and biophysical properties (such as structural, functional, and spatial information, amino acid conservation, physicochemical variation, residue mobility, and thermodynamic stability) performed at Invitae indicates that this missense variant is not expected to disrupt WNK1 protein function. In summary, the available evidence is currently insufficient to determine the role of this variant in disease. Therefore, it has been classified as a Variant of Uncertain Significance.

NM_018979.4(WNK1):c.92C>G (p.Ser31Cys)

Gene: WNK1 (WNK lysine deficient protein kinase 1; plus strand). Cytogenetic location: 12p13.33.
Variant type: single nucleotide variant.
Coding change: c.92C>G on transcript NM_018979.4 (MANE Select); coding-DNA position 92, C replaced by G.
Protein change: p.Ser31Cys; replaces serine 31 with cysteine.
Molecular consequence: missense variant.
Genome position (GRCh38, 1-based): chr12:753,657, C>G. VCF-style: chr12-753657-C-G. GRCh37 (hg19) VCF-style: chr12-862823-C-G.
Other names: c.92C>G, p.Ser31Cys (NM_001184985.2, NM_014823.3, NM_213655.5); short protein forms S31C.
Identifiers: ClinVar variation 1390328 (VCV001390328.6), dbSNP rs2120997237, ClinGen allele CA383303617.